The following is an entry in ClinVar:

NM_001204.7(BMPR2):c.1587-7_1587-4del

Gene: BMPR2 (bone morphogenetic protein receptor type 2; plus strand). Cytogenetic location: 2q33.2.
Variant type: Microsatellite.
Coding change: c.1587-7_1587-4del on transcript NM_001204.7 (MANE Select); 7 bases into the intron before coding-DNA position 1587 through 4 bases into the intron before coding-DNA position 1587, 4 bases deleted (CTTT; older notation c.1587-7_1587-4delCTTT).
Molecular consequence: intron variant.
Genome position (GRCh38, 1-based): chr2:202,555,245-202,555,248, CTTT deleted; deleting any 4 consecutive bases within chr2:202,555,238-202,555,248 gives the same sequence; the c. name uses the placement nearest the transcript's 3' end. VCF-style (leftmost placement, unchanged base first): chr2-202555237-TTTTC-T. GRCh37 (hg19) VCF-style: chr2-203419960-TTTTC-T.
Other names: c.1587-7_1587-4delCTTT (NM_001204.6).
Identifiers: ClinVar variation 425961 (VCV000425961.9), dbSNP rs769408722, ClinGen allele CA2061411.

ClinVar aggregate classification (germline): Likely benign. Review status: reviewed by expert panel (3 of 4 stars). 3 submissions from 3 submitters: Likely benign (1). 2 of the submissions do not count toward it. Last evaluated 2024-09-10.

Conditions:
Pulmonary arterial hypertension. Identifiers: Orphanet 182090, MedGen C2973725, MeSH D000081029, MONDO:0015924, HP:0002092.
Primary pulmonary hypertension. Also called: Idiopathic pulmonary hypertension. Identifiers: MedGen C0152171.
Pulmonary hypertension, primary, 1 (PPH1). Also called: Pulmonary hypertension, familial primary, 1, with or without HHT. Identifiers: Orphanet 422, MedGen C4552070, MONDO:0024533, OMIM 178600.

Submissions (3):

Clingen Pulmonary Hypertension Variant Curation Expert Panel, ClinGen
Classification: Likely benign for Pulmonary arterial hypertension. Last evaluated: 2024-09-10. Review status: reviewed by expert panel. Criteria: ClinGen PH ACMG Specifications BMPR2 V1.1.0. Collection method: curation. Allele origin: germline. Inheritance: Autosomal dominant inheritance.
Comment: The BMPR2 variant c.1587-7_1587-4del is a non-canonical splice site variant on intron 11 predicted to cause deletion of 4 nucleotides. The highest population minor allele frequency in gnomAD v2.1.1 controls is 0.173% (4/2314 alleles) in the Ashkenazi Jewish population which meets the threshold for BS1 (≥0.1%). Thus, PM2 (<0.01%) or BA1 (1%) were not met. The computational splicing predictor Splice AI score was 0.10 for acceptor loss suggesting that the variant has no impact on splicing which meets the criteria for BP4. The variant was only found in one proband with idiopathic pulmonary arterial hypertension (PMID: 26387786), hence PS4 was not applied. BS3 and PS3 were not evaluated as no functional data was available for this variant. In summary, the variant meets the criteria to be classified as likely benign for pulmonary arterial hypertension based on the ACMG/AMP criteria applied, as specified by the ClinGen Pulmonary Hypertension VCEP: BS1, BP4 (VCEP specification version 1.1.0, 1/18/2024).

Labcorp Genetics (formerly Invitae), Labcorp
Classification: Likely benign for Primary pulmonary hypertension. Last evaluated: 2025-12-14. Review status: criteria provided, single submitter. Criteria: Invitae Variant Classification Sherloc (09022015). Collection method: clinical testing. Allele origin: germline. Not counted in ClinVar's aggregate classification.

Rare Disease Genomics Group, St George's University of London
Classification: Pathogenic for Primary pulmonary hypertension. Review status: no assertion criteria provided. Collection method: literature only. Allele origin: germline. Affected: yes. Not counted in ClinVar's aggregate classification.

Literature cited by the submitters: PubMed 26387786 (cited by Rare Disease Genomics Group, St George's University of London).